The following is an entry in ClinVar:

NM_000441.2(SLC26A4):c.1392del (p.Gln464fs)

Gene: SLC26A4 (solute carrier family 26 member 4; plus strand). Cytogenetic location: 7q22.3.
Variant type: Deletion.
Coding change: c.1392del on transcript NM_000441.2 (MANE Select); coding-DNA position 1392, one base deleted (G; older notation c.1392delG).
Protein change: p.Gln464fs; shifts the reading frame from glutamine 464.
Molecular consequence: frameshift variant.
Genome position (GRCh38, 1-based): chr7:107,694,671, G deleted. VCF-style (leftmost placement, unchanged base first): chr7-107694670-AG-A. GRCh37 (hg19) VCF-style: chr7-107335115-AG-A.
Other names: short protein forms Q464fs.
Identifiers: ClinVar variation 1459538 (VCV001459538.8), dbSNP rs756019325, ClinGen allele CA4432800.

ClinVar aggregate classification (germline): Pathogenic (1 of 4 stars; one submission).

Allele frequency attached by ClinVar (database versions not stated): gnomAD exomes below 0.00001; ExAC 0.00001.

Submission:

Labcorp Genetics (formerly Invitae), Labcorp
Classification: Pathogenic. Last evaluated: 2021-05-14. Review status: criteria provided, single submitter. Criteria: Invitae Variant Classification Sherloc (09022015). Collection method: clinical testing. Allele origin: germline.
Comment: This sequence change creates a premature translational stop signal (p.Gln464Hisfs*24) in the SLC26A4 gene. It is expected to result in an absent or disrupted protein product. Loss-of-function variants in SLC26A4 are known to be pathogenic (PMID: 16283880, 25394566, 26252218, 26445815). This variant is present in population databases (rs756019325, ExAC 0.002%). This variant has been observed in individual(s) with Pendred syndrome (PMID: 15689455). For these reasons, this variant has been classified as Pathogenic.

Literature cited by the submitters: PubMed 16283880; PubMed 25394566; PubMed 26252218; PubMed 26445815; PubMed 15689455.